The following is an entry in ClinVar:

NM_000264.5(PTCH1):c.1925C>A (p.Pro642Gln)

Genes: PTCH1 (patched 1; minus strand), LOC100507346 (uncharacterized LOC100507346; plus strand). Cytogenetic location: 9q22.32.
Variant type: single nucleotide variant.
Coding change: c.1925C>A on transcript NM_000264.5 (MANE Select); coding-DNA position 1925, C replaced by A.
Protein change: p.Pro642Gln; replaces proline 642 with glutamine.
Molecular consequence: missense variant. On other transcripts: non-coding transcript variant (2).
Genome position (GRCh38, 1-based): chr9:95,469,076, G>T on the plus strand (C>A on the coding strand, the complement: PTCH1 is on the minus strand). VCF-style: chr9-95469076-G-T. GRCh37 (hg19) VCF-style: chr9-98231358-G-T.
Other names: c.1727C>A, p.Pro576Gln (NM_001083602.3); c.1922C>A, p.Pro641Gln (NM_001083603.3); c.1472C>A, p.Pro491Gln (NM_001083604.3, NM_001083605.3, NM_001083606.3 and 1 more transcripts); c.1769C>A, p.Pro590Gln (NM_001354918.2); short protein forms P576Q, P642Q, P491Q, P590Q, P641Q.
Identifiers: ClinVar variation 524556 (VCV000524556.12), dbSNP rs762371629, ClinGen allele CA5138481.

ClinVar aggregate classification (germline): Conflicting classifications of pathogenicity. Review status: criteria provided, conflicting classifications (1 of 4 stars). 3 submissions from 3 submitters: Uncertain significance (1); Benign (1); Likely benign (1). Last evaluated 2026-02-01.

Conditions:
Hereditary cancer. Identifiers: MedGen C1333600.
Hereditary cancer-predisposing syndrome. Also called: Neoplastic Syndromes, Hereditary; Tumor predisposition; Hereditary Cancer Syndrome; Hereditary neoplastic syndrome. Identifiers: Orphanet 140162, MedGen C0027672, MeSH D009386, MONDO:0015356.
Gorlin syndrome. Also called: Nevoid Basal Cell Carcinoma Syndrome; Basal cell nevus syndrome. Identifiers: Orphanet 377, MedGen C0004779, MONDO:0007187.

Allele frequency attached by ClinVar (database versions not stated): gnomAD exomes below 0.00001; ExAC 0.00001.
gnomAD v4.1: 3 of 1,614,078 alleles (0.00019%); highest among the groups gnomAD compares: Admixed American, 0.0033%; no homozygotes.

Submissions (3):

Labcorp Genetics (formerly Invitae), Labcorp
Classification: Benign for Gorlin syndrome. Last evaluated: 2026-02-01. Review status: criteria provided, single submitter. Criteria: Invitae Variant Classification Sherloc (09022015). Collection method: clinical testing. Allele origin: germline.

Mendelics
Classification: Likely benign for Hereditary cancer. Last evaluated: 2025-06-23. Review status: criteria provided, single submitter. Criteria: ACMG Guidelines, 2015. Collection method: clinical testing. Allele origin: unknown.
Comment: This variant is considered likely benign or benign based on one or more of the following: it is predicted to be benign by multiple in silico algorithms, and/or has population frequency not consistent with disease, and/or has normal protein function, and/or has lack of segregation with disease, and/or has been detected in co-occurrence with known pathogenic variant, and/or has lack of disease association in case-control studies, and/or is located in a region inconsistent with a known cause of pathogenicity.

Ambry Genetics
Classification: Uncertain significance for Hereditary cancer-predisposing syndrome. Last evaluated: 2023-08-16. Review status: criteria provided, single submitter. Criteria: Ambry Variant Classification Scheme 2023. Collection method: clinical testing. Allele origin: germline.
Comment: The p.P642Q variant (also known as c.1925C>A), located in coding exon 14 of the PTCH1 gene, results from a C to A substitution at nucleotide position 1925. The proline at codon 642 is replaced by glutamine, an amino acid with similar properties. This amino acid position is highly conserved in available vertebrate species. In addition, the in silico prediction for this alteration is inconclusive. Since supporting evidence is limited at this time, the clinical significance of this alteration remains unclear.